The following is an entry in ClinVar:

ClinVar aggregate classification (germline): Uncertain significance (1 of 4 stars; one submission).

Conditions:
Catecholaminergic polymorphic ventricular tachycardia 1. Also called: VENTRICULAR TACHYCARDIA, STRESS-INDUCED POLYMORPHIC 1; RYR2-Related Catecholaminergic Polymorphic Ventricular Tachycardia; VENTRICULAR TACHYCARDIA, CATECHOLAMINERGIC POLYMORPHIC, 1, WITH OR WITHOUT ATRIAL DYSFUNCTION AND/OR DILATED CARDIOMYOPATHY. Identifiers: Orphanet 3286, MedGen C1631597, MONDO:0011484, OMIM 604772.

gnomAD v4.1: 8 of 1,613,292 alleles (0.0005%); highest among the groups gnomAD compares: Admixed American, 0.0083%; no homozygotes.

Submission:

Labcorp Genetics (formerly Invitae), Labcorp
Classification: Uncertain significance for Catecholaminergic polymorphic ventricular tachycardia 1. Last evaluated: 2025-02-13. Review status: criteria provided, single submitter. Criteria: Invitae Variant Classification Sherloc (09022015). Collection method: clinical testing. Allele origin: germline.
Comment: This sequence change replaces valine, which is neutral and non-polar, with leucine, which is neutral and non-polar, at codon 35 of the CASQ2 protein (p.Val35Leu). This variant is present in population databases (rs780579529, gnomAD 0.009%). This variant has not been reported in the literature in individuals affected with CASQ2-related conditions. Invitae Evidence Modeling of protein sequence and biophysical properties (such as structural, functional, and spatial information, amino acid conservation, physicochemical variation, residue mobility, and thermodynamic stability) indicates that this missense variant is not expected to disrupt CASQ2 protein function with a negative predictive value of 80%. In summary, the available evidence is currently insufficient to determine the role of this variant in disease. Therefore, it has been classified as a Variant of Uncertain Significance.

NM_001232.4(CASQ2):c.103G>C (p.Val35Leu)

Gene: CASQ2 (calsequestrin 2; minus strand). Cytogenetic location: 1p13.1.
Variant type: single nucleotide variant.
Coding change: c.103G>C on transcript NM_001232.4 (MANE Select); coding-DNA position 103, G replaced by C.
Protein change: p.Val35Leu; replaces valine 35 with leucine.
Molecular consequence: missense variant.
Genome position (GRCh38, 1-based): chr1:115,768,439, C>G on the plus strand (G>C on the coding strand, the complement: CASQ2 is on the minus strand). VCF-style: chr1-115768439-C-G. GRCh37 (hg19) VCF-style: chr1-116311060-C-G.
Other names: short protein forms V35L.
Identifiers: ClinVar variation 4798332 (VCV004798332.1).
Genomic context (GRCh38, chr1:115,768,439, plus strand): 5'-AGAGGCAAAGCAAGTCATATTTCTTTAAAACCTGCTTGAAGTTCTTCTCGGAAAGACTTA[C>G]CACTCGGTCCTTCCCATCATATGTGGGGAAATTAAGCCCCTCTTCTGCCCTGCAAGAGGA-3'
Protein context (NP_001223.2, residues 25-45): FPTYDGKDRV[Val35Leu]SLSEKNFKQV